The following is an entry in ClinVar:

NM_001367857.2(SATL1):c.1762C>T (p.Gln588Ter)

Gene: SATL1 (spermidine/spermine N1-acetyl transferase like 1; minus strand). Cytogenetic location: Xq21.1.
Variant type: single nucleotide variant.
Coding change: c.1762C>T on transcript NM_001367857.2 (MANE Select); coding-DNA position 1762, C replaced by T.
Protein change: p.Gln588Ter; replaces glutamine 588 with a stop codon.
Molecular consequence: nonsense.
Genome position (GRCh38, 1-based): chrX:85,094,928, G>A on the plus strand (C>T on the coding strand, the complement: SATL1 is on the minus strand). VCF-style: chrX-85094928-G-A. GRCh37 (hg19) VCF-style: chrX-84349934-G-A.
Other names: c.1762C>T, p.Gln588Ter (NM_001012980.2, NM_001367858.2); short protein forms Q588*.
Identifiers: ClinVar variation 3042534 (VCV003042534.2), dbSNP rs759157934, ClinGen allele CA10464252.

ClinVar aggregate classification (germline): Likely benign (0 of 4 stars; one submission).

Conditions:
SATL1-related disorder. Also called: SATL1-related condition.

Allele frequency attached by ClinVar (database versions not stated): gnomAD 0.00012; gnomAD exomes 0.00030; 1000 Genomes Project 30x 0.00083; 1000 Genomes Project 0.00106; ExAC 0.00107.
gnomAD v4.1: 328 of 1,175,949 alleles (0.028%); highest among the groups gnomAD compares: South Asian, 0.57%; 2 homozygotes.

Submission:

PreventionGenetics, part of Exact Sciences
Classification: Likely benign for SATL1-related condition. Last evaluated: 2019-07-01. Review status: no assertion criteria provided. Collection method: clinical testing. Allele origin: germline.
Comment: This variant is classified as likely benign based on ACMG/AMP sequence variant interpretation guidelines (Richards et al. 2015 PMID: 25741868, with internal and published modifications).